The following is an entry in ClinVar:

NC_000022.10:g.(?_34022218)_(34157473_?)del

Gene: LARGE1 (LARGE xylosyl- and glucuronyltransferase 1; minus strand). Cytogenetic location: 22q12.3.
Variant type: Deletion.
Identifiers: ClinVar variation 1073611 (VCV001073611.7).

ClinVar aggregate classification (germline): Pathogenic (1 of 4 stars; one submission).

Conditions:
Muscular dystrophy-dystroglycanopathy type B6 (MDDGB6). Also called: MUSCULAR DYSTROPHY, CONGENITAL, LARGE-RELATED; MUSCULAR DYSTROPHY, CONGENITAL, TYPE 1D; MUSCULAR DYSTROPHY-DYSTROGLYCANOPATHY (CONGENITAL WITH IMPAIRED INTELLECTUAL DEVELOPMENT), TYPE B, 6. Identifiers: MedGen C1837229, MONDO:0012138, OMIM 608840.

Submission:

Labcorp Genetics (formerly Invitae), Labcorp
Classification: Pathogenic for Muscular dystrophy-dystroglycanopathy type B6. Last evaluated: 2020-03-01. Review status: criteria provided, single submitter. Criteria: Invitae Variant Classification Sherloc (09022015). Collection method: clinical testing. Allele origin: germline.
Comment: For these reasons, this variant has been classified as Pathogenic. Loss-of-function variants in LARGE1 are known to be pathogenic (PMID: 12966029, 17878207). This variant has not been reported in the literature in individuals with LARGE1-related disease. This variant is a gross deletion of the genomic region encompassing exons 3-5 of the LARGE1 gene, which includes the initiator codon. The 5' end of this event is unknown as it extends beyond the assayed region for this gene and therefore may encompass additional genes. The 3' boundary is likely confined to intron 5 of the LARGE1 gene. This is expected to result in an absent or disrupted protein product.

Literature cited by the submitters: PubMed 12966029; PubMed 17878207.